The following is an entry in ClinVar:

NM_206933.4(USH2A):c.5674C>T (p.Leu1892=)

Genes: USH2A (usherin; minus strand), USH2A-AS2 (USH2A antisense RNA 2; plus strand). Cytogenetic location: 1q41.
Variant type: single nucleotide variant.
Coding change: c.5674C>T on transcript NM_206933.4 (MANE Select); coding-DNA position 5674, C replaced by T.
Protein change: p.Leu1892=; no amino-acid change (leucine 1892 retained).
Molecular consequence: synonymous variant.
Genome position (GRCh38, 1-based): chr1:216,073,199, G>A on the plus strand (C>T on the coding strand, the complement: USH2A is on the minus strand). VCF-style: chr1-216073199-G-A. GRCh37 (hg19) VCF-style: chr1-216246541-G-A.
Other names: c.5674C>T (NM_206933.2).
Identifiers: ClinVar variation 1125266 (VCV001125266.10), dbSNP rs571844190, ClinGen allele CA1395384.
Genomic context (GRCh38, chr1:216,073,199, plus strand): 5'-TTCCCTGGTAAACCAGGATGGAGTCATTTCCCCTGCAGTTAACAGCACTGTCAGTTGATA[G>A]GCATCCATCCAGATTGACTCTGACAGCACCGCTGGACACAGATGCCAAGTTAACGACAGC-3'
Protein context (NP_996816.3, residues 1882-1902): GAVRVNLDGC[Leu1892=]STDSAVNCRG

ClinVar aggregate classification (germline): Likely benign. Review status: criteria provided, multiple submitters, no conflicts (2 of 4 stars). 2 submissions from 2 submitters: Likely benign (2). Last evaluated 2026-01-06.

Conditions:
USH2A-related disorder. Also called: USH2A-related condition; USH2A-related disorders. Identifiers: MedGen CN239332.

Allele frequency attached by ClinVar (database versions not stated): ExAC 0.00001; gnomAD 0.00001; 1000 Genomes Project 30x 0.00016; 1000 Genomes Project 0.00020.
gnomAD v4.1: 9 of 1,613,736 alleles (0.00056%); highest among the groups gnomAD compares: African/African-American, 0.0027%; no homozygotes.

Submissions (2):

Labcorp Genetics (formerly Invitae), Labcorp
Classification: Likely benign. Last evaluated: 2026-01-06. Review status: criteria provided, single submitter. Criteria: Invitae Variant Classification Sherloc (09022015). Collection method: clinical testing. Allele origin: germline.

PreventionGenetics, part of Exact Sciences
Classification: Likely benign for USH2A-related condition. Last evaluated: 2025-03-31. Review status: criteria provided, single submitter. Criteria: ACMG Guidelines, 2015. Collection method: clinical testing. Allele origin: germline.
Comment: This variant is classified as likely benign based on ACMG/AMP sequence variant interpretation guidelines (Richards et al. 2015 PMID: 25741868, with internal and published modifications).